The following is an entry in ClinVar:

ClinVar aggregate classification (germline): Uncertain significance (1 of 4 stars; one submission).

Conditions:
Charcot-Marie-Tooth disease type 4. Also called: Charcot-Marie-Tooth, Type 4; Charcot-Marie-Tooth disease, type IV. Identifiers: Orphanet 64749, MedGen C4082197, MONDO:0018995.

Allele frequency attached by ClinVar (database versions not stated): gnomAD exomes 0.00001 and 0.00002; ExAC 0.00002; TOPMed 0.00002; gnomAD 0.00006; ESP Exome Variant Server 0.00008.
gnomAD v4.1: 20 of 1,613,994 alleles (0.0012%); highest among the groups gnomAD compares: African/African-American, 0.0093%; no homozygotes.

Submission:

Labcorp Genetics (formerly Invitae), Labcorp
Classification: Uncertain significance for Charcot-Marie-Tooth disease type 4. Last evaluated: 2023-06-26. Review status: criteria provided, single submitter. Criteria: Invitae Variant Classification Sherloc (09022015). Collection method: clinical testing. Allele origin: germline.
Comment: In summary, the available evidence is currently insufficient to determine the role of this variant in disease. Therefore, it has been classified as a Variant of Uncertain Significance. An algorithm developed to predict the effect of missense changes on protein structure and function (PolyPhen-2) suggests that this variant is likely to be disruptive. ClinVar contains an entry for this variant (Variation ID: 220189). This variant has not been reported in the literature in individuals affected with FIG4-related conditions. This variant is present in population databases (rs370249754, gnomAD 0.02%). This sequence change replaces isoleucine, which is neutral and non-polar, with threonine, which is neutral and polar, at codon 515 of the FIG4 protein (p.Ile515Thr).

NM_014845.6(FIG4):c.1544T>C (p.Ile515Thr)

Gene: FIG4 (FIG4 phosphoinositide 5-phosphatase; plus strand). Cytogenetic location: 6q21.
Variant type: single nucleotide variant.
Coding change: c.1544T>C on transcript NM_014845.6 (MANE Select); coding-DNA position 1544, T replaced by C.
Protein change: p.Ile515Thr; replaces isoleucine 515 with threonine.
Molecular consequence: missense variant.
Genome position (GRCh38, 1-based): chr6:109,765,122, T>C. VCF-style: chr6-109765122-T-C. GRCh37 (hg19) VCF-style: chr6-110086325-T-C.
Other names: short protein forms I515T.
Identifiers: ClinVar variation 220189 (VCV000220189.5), dbSNP rs370249754, ClinGen allele CA348307.